The following is an entry in ClinVar:

ClinVar aggregate classification (germline): Uncertain significance (1 of 4 stars; one submission).

Submission:

Labcorp Genetics (formerly Invitae), Labcorp
Classification: Uncertain significance. Last evaluated: 2021-05-12. Review status: criteria provided, single submitter. Criteria: Invitae Variant Classification Sherloc (09022015). Collection method: clinical testing. Allele origin: germline.
Comment: In summary, the available evidence is currently insufficient to determine the role of this variant in disease. Therefore, it has been classified as a Variant of Uncertain Significance. Algorithms developed to predict the effect of missense changes on protein structure and function output the following: SIFT: "Tolerated"; PolyPhen-2: "Benign"; Align-GVGD: "Class C0". The arginine amino acid residue is found in multiple mammalian species, suggesting that this missense change does not adversely affect protein function. These predictions have not been confirmed by published functional studies and their clinical significance is uncertain. This variant has not been reported in the literature in individuals with CARMIL2-related conditions. This variant is not present in population databases (ExAC no frequency). This sequence change replaces serine with arginine at codon 143 of the CARMIL2 protein (p.Ser143Arg). The serine residue is moderately conserved and there is a moderate physicochemical difference between serine and arginine.

NM_001013838.3(CARMIL2):c.429C>G (p.Ser143Arg)

Gene: CARMIL2 (capping protein regulator and myosin 1 linker 2; plus strand). Cytogenetic location: 16q22.1.
Variant type: single nucleotide variant.
Coding change: c.429C>G on transcript NM_001013838.3 (MANE Select); coding-DNA position 429, C replaced by G.
Protein change: p.Ser143Arg; replaces serine 143 with arginine.
Molecular consequence: missense variant.
Genome position (GRCh38, 1-based): chr16:67,646,480, C>G. VCF-style: chr16-67646480-C-G. GRCh37 (hg19) VCF-style: chr16-67680383-C-G.
Other names: c.429C>G, p.Ser143Arg (NM_001317026.3); short protein forms S143R.
Identifiers: ClinVar variation 1353296 (VCV001353296.6), dbSNP rs1293578157, ClinGen allele CA396331208.